The following is an entry in ClinVar:

ClinVar aggregate classification (germline): Pathogenic (1 of 4 stars; one submission).

Conditions:
Kabuki syndrome. Also called: Kabuki make-up syndrome; NIIKAWA-KUROKI SYNDROME. Identifiers: Orphanet 2322, MedGen C0796004, MONDO:0016512.

Submission:

Labcorp Genetics (formerly Invitae), Labcorp
Classification: Pathogenic for Kabuki syndrome. Last evaluated: 2022-05-16. Review status: criteria provided, single submitter. Criteria: Invitae Variant Classification Sherloc (09022015). Collection method: clinical testing. Allele origin: germline.
Comment: This sequence change creates a premature translational stop signal (p.Ala2335Glyfs*42) in the KMT2D gene. It is expected to result in an absent or disrupted protein product. Loss-of-function variants in KMT2D are known to be pathogenic (PMID: 22126750). This variant is not present in population databases (gnomAD no frequency). This variant has not been reported in the literature in individuals affected with KMT2D-related conditions. For these reasons, this variant has been classified as Pathogenic.

Literature cited by the submitters: PubMed 22126750.

NM_003482.4(KMT2D):c.7003dup (p.Ala2335fs)

Gene: KMT2D (lysine methyltransferase 2D; minus strand). Cytogenetic location: 12q13.12.
Variant type: Duplication.
Coding change: c.7003dup on transcript NM_003482.4 (MANE Select); coding-DNA position 7003, one base duplicated (G; older notation c.7003dupG).
Protein change: p.Ala2335fs; shifts the reading frame from alanine 2335.
Molecular consequence: frameshift variant.
Genome position (GRCh38, 1-based): chr12:49,040,767, C duplicated on the plus strand (G on the coding strand, the reverse complement: KMT2D is on the minus strand); the first of 3 consecutive C bases (chr12:49,040,767-49,040,769); duplicating any one gives the same sequence. VCF-style (leftmost placement, unchanged base first): chr12-49040766-G-GC. GRCh37 (hg19) VCF-style: chr12-49434549-G-GC.
Other names: short protein forms A2335fs.
Identifiers: ClinVar variation 1995086 (VCV001995086.4), dbSNP rs2498399531, ClinGen allele CA2580086365.